The following is an entry in ClinVar:

NM_003399.6(XPNPEP2):c.1017+11C>T

Gene: XPNPEP2 (X-prolyl aminopeptidase 2; plus strand). Cytogenetic location: Xq26.1.
Variant type: single nucleotide variant.
Coding change: c.1017+11C>T on transcript NM_003399.6 (MANE Select); 11 bases into the intron after coding-DNA position 1017, C replaced by T.
Molecular consequence: intron variant.
Genome position (GRCh38, 1-based): chrX:129,752,356, C>T. VCF-style: chrX-129752356-C-T. GRCh37 (hg19) VCF-style: chrX-128886332-C-T.
Identifiers: ClinVar variation 383219 (VCV000383219.1), dbSNP rs192592840, ClinGen allele CA10512830.
Genomic context (GRCh38, chrX:129,752,356, plus strand): 5'-GGATTGGGACCAGCTATACCATGTATGGGATCTATGAAATGATACCCAAGGTGGGTTTGC[C>T]AGGCCCCAGCCCAAGCCAGGCACCAATCCCCACTCTAGGCCTGAGAAGTCTTAACCTAAA-3'

ClinVar aggregate classification (germline): Likely benign (1 of 4 stars; one submission).

Allele frequency attached by ClinVar (database versions not stated): gnomAD exomes 0.00035 and 0.00094; ExAC 0.00120; 1000 Genomes Project 30x 0.00271; 1000 Genomes Project 0.00291; gnomAD 0.00323 and 0.00335; TOPMed 0.00379; ESP Exome Variant Server 0.00436.
gnomAD v4.1: 779 of 1,205,817 alleles (0.065%); highest among the groups gnomAD compares: African/African-American, 1.2%; 3 homozygotes.

Submission:

GeneDx
Classification: Likely benign. Last evaluated: 2016-02-04. Review status: criteria provided, single submitter. Criteria: GeneDx Variant Classification (06012015). Collection method: clinical testing. Allele origin: germline. Affected: yes.
Comment: This variant is considered likely benign or benign based on one or more of the following criteria: it is a conservative change, it occurs at a poorly conserved position in the protein, it is predicted to be benign by multiple in silico algorithms, and/or has population frequency not consistent with disease.